The following is an entry in ClinVar:

NM_002029.4(FPR1):c.328T>A (p.Phe110Ile)

Gene: FPR1 (formyl peptide receptor 1; minus strand). Cytogenetic location: 19q13.41.
Variant type: single nucleotide variant.
Coding change: c.328T>A on transcript NM_002029.4 (MANE Select); coding-DNA position 328, T replaced by A.
Protein change: p.Phe110Ile; replaces phenylalanine 110 with isoleucine.
Molecular consequence: missense variant.
Genome position (GRCh38, 1-based): chr19:51,746,667, A>T on the plus strand (T>A on the coding strand, the complement: FPR1 is on the minus strand). VCF-style: chr19-51746667-A-T. GRCh37 (hg19) VCF-style: chr19-52249920-A-T.
Other names: c.328T>A, p.Phe110Ile (NM_001193306.2); short protein forms F110I.
Identifiers: ClinVar variation 4771187 (VCV004771187.1).
Genomic context (GRCh38, chr19:51,746,667, plus strand): 5'-GATGCAGGACGCAAACACAGCGGTCCAGAGCAATGAGGGCGATCAGGAAGACACTTCCGA[A>T]CAAGTTGATGTCCACTATGGTAAAGACGAATTTGCACAGGAACCAGCCGAAAGGCCAATG-3'
Protein context (NP_002020.1, residues 100-120): FVFTIVDINL[Phe110Ile]GSVFLIALIA

ClinVar aggregate classification (germline): Uncertain significance (1 of 4 stars; one submission).

Conditions:
Gingival disorder. Also called: Gingival disease. Identifiers: MedGen C0017563, MONDO:0002021.

Submission:

Labcorp Genetics (formerly Invitae), Labcorp
Classification: Uncertain significance for Gingival disorder. Last evaluated: 2025-05-04. Review status: criteria provided, single submitter. Criteria: Invitae Variant Classification Sherloc (09022015). Collection method: clinical testing. Allele origin: germline.
Comment: This sequence change replaces phenylalanine, which is neutral and non-polar, with isoleucine, which is neutral and non-polar, at codon 110 of the FPR1 protein (p.Phe110Ile). This variant is present in population databases (rs779324740, gnomAD 0.0009%). This variant has not been reported in the literature in individuals affected with FPR1-related conditions. An algorithm developed to predict the effect of missense changes on protein structure and function (PolyPhen-2) suggests that this variant is likely to be disruptive. In summary, the available evidence is currently insufficient to determine the role of this variant in disease. Therefore, it has been classified as a Variant of Uncertain Significance.